The following is an entry in ClinVar:

ClinVar aggregate classification (germline): Conflicting classifications of pathogenicity. Review status: criteria provided, conflicting classifications (1 of 4 stars). 3 submissions from 3 submitters: Uncertain significance (2); Likely benign (1). Last evaluated 2024-05-13.

Conditions:
Inborn genetic diseases. Identifiers: MedGen C0950123, MeSH D030342.
Focal segmental glomerulosclerosis 5 (FSGS5). Identifiers: Orphanet 656, MedGen C2750475, MONDO:0013191, OMIM 613237.
Charcot-Marie-Tooth disease dominant intermediate E. Also called: CHARCOT-MARIE-TOOTH NEUROPATHY WITH FOCAL SEGMENTAL GLOMERULONEPHRITIS. Identifiers: Orphanet 93114, MedGen C4302667, MONDO:0013758, OMIM 614455.

Allele frequency attached by ClinVar (database versions not stated): gnomAD exomes below 0.00001; TOPMed 0.00002; gnomAD 0.00003.
gnomAD v4.1: 11 of 1,612,374 alleles (0.00068%); highest among the groups gnomAD compares: African/African-American, 0.0093%; no homozygotes.

Submissions (3):

Fulgent Genetics
Classification: Uncertain significance for Focal segmental glomerulosclerosis 5; Charcot-Marie-Tooth disease dominant intermediate E. Last evaluated: 2024-05-13. Review status: criteria provided, single submitter. Criteria: ACMG Guidelines, 2015. Collection method: clinical testing. Allele origin: germline.

Labcorp Genetics (formerly Invitae), Labcorp
Classification: Likely benign for Charcot-Marie-Tooth disease dominant intermediate E; Focal segmental glomerulosclerosis 5. Last evaluated: 2024-04-06. Review status: criteria provided, single submitter. Criteria: Invitae Variant Classification Sherloc (09022015). Collection method: clinical testing. Allele origin: germline.

Ambry Genetics
Classification: Uncertain significance for Inborn genetic diseases. Last evaluated: 2022-01-07. Review status: criteria provided, single submitter. Criteria: Ambry Variant Classification Scheme 2023. Collection method: clinical testing. Allele origin: germline.
Comment: The c.2419-5T>C intronic variant results from a T to C substitution 5 nucleotides upstream from coding exon 15 in the INF2 gene. This nucleotide position is well conserved in available vertebrate species. In silico splice site analysis predicts that this alteration will not have any significant effect on splicing. Since supporting evidence is limited at this time, the clinical significance of this alteration remains unclear.

NM_022489.4(INF2):c.2419-5T>C

Gene: INF2 (inverted formin 2; plus strand). Cytogenetic location: 14q32.33.
Variant type: single nucleotide variant.
Coding change: c.2419-5T>C on transcript NM_022489.4 (MANE Select); 5 bases into the intron before coding-DNA position 2419, T replaced by C.
Molecular consequence: intron variant.
Genome position (GRCh38, 1-based): chr14:104,711,624, T>C. VCF-style: chr14-104711624-T-C. GRCh37 (hg19) VCF-style: chr14-105177961-T-C.
Other names: c.2419-5T>C (NM_001031714.4).
Identifiers: ClinVar variation 1790975 (VCV001790975.8), dbSNP rs913833582, ClinGen allele CA267328489.